The following is an entry in ClinVar:

ClinVar aggregate classification (germline): Likely pathogenic (1 of 4 stars; one submission).

Submission:

Labcorp Genetics (formerly Invitae), Labcorp
Classification: Likely pathogenic. Last evaluated: 2023-08-29. Review status: criteria provided, single submitter. Criteria: Invitae Variant Classification Sherloc (09022015). Collection method: clinical testing. Allele origin: germline.
Comment: In summary, the currently available evidence indicates that the variant is pathogenic, but additional data are needed to prove that conclusively. Therefore, this variant has been classified as Likely Pathogenic. Algorithms developed to predict the effect of sequence changes on RNA splicing suggest that this variant may disrupt the consensus splice site. This variant has not been reported in the literature in individuals affected with OTOF-related conditions. This variant is not present in population databases (gnomAD no frequency). This sequence change affects an acceptor splice site in intron 4 of the OTOF gene. It is expected to disrupt RNA splicing. Variants that disrupt the donor or acceptor splice site typically lead to a loss of protein function (PMID: 16199547), and loss-of-function variants in OTOF are known to be pathogenic (PMID: 18381613, 19250381, 22575033).

Literature cited by the submitters: PubMed 16199547; PubMed 18381613; PubMed 19250381; PubMed 22575033.

NM_194248.3(OTOF):c.328-1G>C

Gene: OTOF (otoferlin; minus strand). Cytogenetic location: 2p23.3.
Variant type: single nucleotide variant.
Coding change: c.328-1G>C on transcript NM_194248.3 (MANE Select); the canonical splice acceptor site of the intron before coding-DNA position 328, G replaced by C.
Molecular consequence: splice acceptor variant.
Genome position (GRCh38, 1-based): chr2:26,516,600, C>G on the plus strand (G>C on the coding strand, the complement: OTOF is on the minus strand). VCF-style: chr2-26516600-C-G. GRCh37 (hg19) VCF-style: chr2-26739468-C-G.
Other names: c.328-1G>C (NM_001287489.2).
Identifiers: ClinVar variation 2755782 (VCV002755782.3), dbSNP rs2465353637, ClinGen allele CA346139597.